The following is an entry in ClinVar:

NM_002857.4(PEX19):c.115C>T (p.Pro39Ser)

Gene: PEX19 (peroxisomal biogenesis factor 19; minus strand). Cytogenetic location: 1q23.2.
Variant type: single nucleotide variant.
Coding change: c.115C>T on transcript NM_002857.4 (MANE Select); coding-DNA position 115, C replaced by T.
Protein change: p.Pro39Ser; replaces proline 39 with serine.
Molecular consequence: missense variant. On other transcripts: non-coding transcript variant (1).
Genome position (GRCh38, 1-based): chr1:160,283,595, G>A on the plus strand (C>T on the coding strand, the complement: PEX19 is on the minus strand). VCF-style: chr1-160283595-G-A. GRCh37 (hg19) VCF-style: chr1-160253385-G-A.
Other names: c.115C>T, p.Pro39Ser (NM_001193644.1); short protein forms P39S.
Identifiers: ClinVar variation 499937 (VCV000499937.59), dbSNP rs144256391, ClinGen allele CA1197470.

ClinVar aggregate classification (germline): Conflicting classifications of pathogenicity. Review status: criteria provided, conflicting classifications (1 of 4 stars). 9 submissions from 9 submitters: Uncertain significance (6); Likely benign (2). 1 of the submissions does not count toward it. Last evaluated 2026-01-21.

Conditions:
Peroxisome biogenesis disorder 12A (Zellweger). Also called: Peroxisome biogenesis disorder 12A. Identifiers: Orphanet 912, MedGen C3554002, MONDO:0013951, OMIM 614886.
PEX19-related disorder. Also called: PEX19-related condition.
Inborn genetic diseases. Identifiers: MedGen C0950123, MeSH D030342.

Allele frequency attached by ClinVar (database versions not stated): 1000 Genomes Project 30x 0.00016; 1000 Genomes Project 0.00020; TOPMed 0.00022; ESP Exome Variant Server 0.00031.

Submissions (9):

Labcorp Genetics (formerly Invitae), Labcorp
Classification: Uncertain significance for Peroxisome biogenesis disorder 12A (Zellweger). Last evaluated: 2026-01-21. Review status: criteria provided, single submitter. Criteria: Invitae Variant Classification Sherloc (09022015). Collection method: clinical testing. Allele origin: germline.
Comment: This sequence change replaces proline, which is neutral and non-polar, with serine, which is neutral and polar, at codon 39 of the PEX19 protein (p.Pro39Ser). This variant is present in population databases (rs144256391, gnomAD 0.07%). This variant has not been reported in the literature in individuals affected with PEX19-related conditions. ClinVar contains an entry for this variant (Variation ID: 499937). Invitae Evidence Modeling of protein sequence and biophysical properties (such as structural, functional, and spatial information, amino acid conservation, physicochemical variation, residue mobility, and thermodynamic stability) indicates that this missense variant is not expected to disrupt PEX19 protein function with a negative predictive value of 80%. In summary, the available evidence is currently insufficient to determine the role of this variant in disease. Therefore, it has been classified as a Variant of Uncertain Significance.

Women's Health and Genetics/Laboratory Corporation of America, LabCorp
Classification: Likely benign. Last evaluated: 2025-12-24. Review status: criteria provided, single submitter. Criteria: LabCorp Variant Classification Summary - May 2015. Collection method: clinical testing. Allele origin: germline.
Comment: Variant summary: PEX19 c.115C>T (p.Pro39Ser) results in a non-conservative amino acid change in the encoded protein sequence. Algorithms developed to predict the effect of missense changes on protein structure and function are either unavailable or do not agree on the potential impact of this missense change. The variant allele was found at a frequency of 0.00034 in 251460 control chromosomes, predominantly at a frequency of 0.00058 within the Latino subpopulation in the gnomAD database. The observed variant frequency within Latino control individuals in the gnomAD database exceeds the estimated maximal expected allele frequency for disease-causing variants in PEX19. To our knowledge, no occurrence of c.115C>T in individuals affected with PEX19-related conditions and no experimental evidence demonstrating its impact on protein function have been reported. ClinVar contains an entry for this variant (Variation ID: 499937). Based on the evidence outlined above, the variant was classified as likely benign.

Blueprint Genetics
Classification: Likely benign. Last evaluated: 2024-11-21. Review status: criteria provided, single submitter. Criteria: ACMG Guidelines, 2015. Collection method: clinical testing. Allele origin: germline.

Ambry Genetics
Classification: Uncertain significance for Inborn genetic diseases. Last evaluated: 2022-04-13. Review status: criteria provided, single submitter. Criteria: Ambry Variant Classification Scheme 2023. Collection method: clinical testing. Allele origin: germline.

Fulgent Genetics
Classification: Uncertain significance for Peroxisome biogenesis disorder 12A (Zellweger). Last evaluated: 2021-11-22. Review status: criteria provided, single submitter. Criteria: ACMG Guidelines, 2015. Collection method: clinical testing. Allele origin: unknown.

CeGaT Center for Human Genetics Tuebingen
Classification: Uncertain significance. Last evaluated: 2020-07-01. Review status: criteria provided, single submitter. Criteria: CeGaT Center For Human Genetics Tuebingen Variant Classification Criteria Version 2. Collection method: clinical testing. Allele origin: germline. Affected: yes. Observed: 1 variant allele.

Eurofins Ntd Llc (ga)
Classification: Uncertain significance. Last evaluated: 2017-12-07. Review status: criteria provided, single submitter. Criteria: EGL Classification Definitions 2015. Collection method: clinical testing. Allele origin: germline. Observed: 7 variant alleles, 6 heterozygotes, 1 homozygote.

Illumina Laboratory Services, Illumina
Classification: Uncertain significance for Peroxisome biogenesis disorder 12A (Zellweger). Last evaluated: 2017-04-27. Review status: criteria provided, single submitter. Criteria: ICSL Variant Classification Criteria 13 December 2019. Collection method: clinical testing. Allele origin: germline.

PreventionGenetics, part of Exact Sciences
Classification: Likely benign for PEX19-related condition. Last evaluated: 2024-03-19. Review status: no assertion criteria provided. Collection method: clinical testing. Allele origin: germline. Not counted in ClinVar's aggregate classification.
Comment: This variant is classified as likely benign based on ACMG/AMP sequence variant interpretation guidelines (Richards et al. 2015 PMID: 25741868, with internal and published modifications).